The following is an entry in ClinVar:

ClinVar aggregate classification (germline): Uncertain significance (1 of 4 stars; one submission).

Conditions:
Intellectual developmental disorder, autosomal dominant 54. Also called: Intellectual disability, autosomal dominant 54; MENTAL RETARDATION, AUTOSOMAL DOMINANT 54. Identifiers: MedGen C4540484, MONDO:0030920, OMIM 617799.

Submission:

Juno Genomics, Hangzhou Juno Genomics, Inc
Classification: Uncertain significance for Intellectual developmental disorder, autosomal dominant 54. Review status: criteria provided, single submitter. Criteria: ACMG Guidelines, 2015. Collection method: clinical testing. Allele origin: germline.
Comment: Absent from controls (or at extremely low frequency if recessive) in Genome Aggregation Database.;Multiple lines of computational evidence support a deleterious effect on the gene or gene product.

NM_001220.5(CAMK2B):c.904-6C>G

Gene: CAMK2B (calcium/calmodulin dependent protein kinase II beta; minus strand). Cytogenetic location: 7p13.
Variant type: single nucleotide variant.
Coding change: c.904-6C>G on transcript NM_001220.5 (MANE Select); 6 bases into the intron before coding-DNA position 904, C replaced by G.
Molecular consequence: intron variant.
Genome position (GRCh38, 1-based): chr7:44,240,755, G>C on the plus strand (C>G on the coding strand, the complement: CAMK2B is on the minus strand). VCF-style: chr7-44240755-G-C. GRCh37 (hg19) VCF-style: chr7-44280354-G-C.
Other names: c.904-6C>G (NM_172084.3, NM_172080.3, NM_172083.3 and 5 more transcripts).
Identifiers: ClinVar variation 5019286 (VCV005019286.2).
Genomic context (GRCh38, chr7:44,240,755, plus strand): 5'-AGAAAGGCTCACCTGAGAAATTCCGTGTGGCCAGCATGGTGGTGAGGATGGCTCCCTGGG[G>C]AGAGACACAGATAAAACCGGGGCTATCCCATCAGTGTTCCCTGCTGGCTTCTGGCCAGGA-3'